The following is an entry in ClinVar:

ClinVar aggregate classification (germline): Likely benign. Review status: criteria provided, multiple submitters, no conflicts (2 of 4 stars). 2 submissions from 2 submitters: Likely benign (2). Last evaluated 2023-03-01.

Allele frequency attached by ClinVar (database versions not stated): gnomAD exomes 0.00003; ExAC 0.00005.

Submissions (2):

CeGaT Center for Human Genetics Tuebingen
Classification: Likely benign. Last evaluated: 2023-03-01. Review status: criteria provided, single submitter. Criteria: CeGaT Center For Human Genetics Tuebingen Variant Classification Criteria Version 2. Collection method: clinical testing. Allele origin: germline. Affected: yes. Observed: 1 variant allele.
Comment: DSPP: BP4, BP7

Blueprint Genetics
Classification: Likely benign. Last evaluated: 2022-09-02. Review status: criteria provided, single submitter. Criteria: ACMG Guidelines, 2015. Collection method: clinical testing. Allele origin: germline.

NM_014208.3(DSPP):c.3507C>T (p.Ser1169=)

Genes: DMP1-AS1 (DMP1 and DSPP antisense RNA 1; minus strand), DSPP (dentin sialophosphoprotein; plus strand). Cytogenetic location: 4q22.1.
Variant type: single nucleotide variant.
Coding change: c.3507C>T on transcript NM_014208.3 (MANE Select); coding-DNA position 3507, C replaced by T.
Protein change: p.Ser1169=; no amino-acid change (serine 1169 retained).
Molecular consequence: synonymous variant.
Genome position (GRCh38, 1-based): chr4:87,616,169, C>T. VCF-style: chr4-87616169-C-T. GRCh37 (hg19) VCF-style: chr4-88537321-C-T.
Identifiers: ClinVar variation 2654923 (VCV002654923.25), dbSNP rs201044279, ClinGen allele CA3001755.